The following is an entry in ClinVar:

NM_001144967.3(NEDD4L):c.681-3C>T

Gene: NEDD4L (NEDD4 like E3 ubiquitin protein ligase; plus strand). Cytogenetic location: 18q21.31.
Variant type: single nucleotide variant.
Coding change: c.681-3C>T on transcript NM_001144967.3 (MANE Select); 3 bases into the intron before coding-DNA position 681, C replaced by T.
Molecular consequence: intron variant.
Genome position (GRCh38, 1-based): chr18:58,328,992, C>T. VCF-style: chr18-58328992-C-T. GRCh37 (hg19) VCF-style: chr18-55996224-C-T.
Other names: c.681-3C>T (NM_015277.6, NM_001243960.2); c.318-3C>T (NM_001144964.1, NM_001144971.2, NM_001144965.2 and 2 more transcripts); c.657-3C>T (NM_001144968.2, NM_001144969.2).
Identifiers: ClinVar variation 3720285 (VCV003720285.2).

ClinVar aggregate classification (germline): Uncertain significance (1 of 4 stars; one submission).

gnomAD v4.1: 9 of 1,613,964 alleles (0.00056%); highest among the groups gnomAD compares: Admixed American, 0.0017%; no homozygotes.

Submission:

Labcorp Genetics (formerly Invitae), Labcorp
Classification: Uncertain significance. Last evaluated: 2024-04-02. Review status: criteria provided, single submitter. Criteria: Invitae Variant Classification Sherloc (09022015). Collection method: clinical testing. Allele origin: germline.
Comment: This sequence change falls in intron 9 of the NEDD4L gene. It does not directly change the encoded amino acid sequence of the NEDD4L protein. It affects a nucleotide within the consensus splice site. This variant is not present in population databases (gnomAD no frequency). This variant has not been reported in the literature in individuals affected with NEDD4L-related conditions. Variants that disrupt the consensus splice site are a relatively common cause of aberrant splicing (PMID: 17576681, 9536098). Algorithms developed to predict the effect of sequence changes on RNA splicing suggest that this variant is not likely to affect RNA splicing. In summary, the available evidence is currently insufficient to determine the role of this variant in disease. Therefore, it has been classified as a Variant of Uncertain Significance.

Literature cited by the submitters: PubMed 17576681; PubMed 9536098.